The following is an entry in ClinVar:

NM_013339.4(ALG6):c.82+1G>A

Gene: ALG6 (ALG6 alpha-1,3-glucosyltransferase; plus strand). Cytogenetic location: 1p31.3.
Variant type: single nucleotide variant.
Coding change: c.82+1G>A on transcript NM_013339.4 (MANE Select); the canonical splice donor site of the intron after coding-DNA position 82, G replaced by A.
Molecular consequence: splice donor variant.
Genome position (GRCh38, 1-based): chr1:63,371,060, G>A. VCF-style: chr1-63371060-G-A. GRCh37 (hg19) VCF-style: chr1-63836731-G-A.
Identifiers: ClinVar variation 2081106 (VCV002081106.5), dbSNP rs771618945, ClinGen allele CA888026.

ClinVar aggregate classification (germline): Likely pathogenic. Review status: criteria provided, multiple submitters, no conflicts (2 of 4 stars). 2 submissions from 2 submitters: Likely pathogenic (2). Last evaluated 2023-10-14.

Conditions:
ALG6-congenital disorder of glycosylation 1C (CDG1C). Also called: CDG Ic; CARBOHYDRATE-DEFICIENT GLYCOPROTEIN SYNDROME, TYPE I, WITH DEFICIENT GLYCOSYLATION OF DOLICHOL-LINKED OLIGOSACCHARIDE; CARBOHYDRATE-DEFICIENT GLYCOPROTEIN SYNDROME, TYPE V; Congenital disorder of glycosylation type 1C; Congenital disorder of glycosylation, type Ic. Identifiers: Orphanet 79320, MedGen C2930997, MONDO:0011291, OMIM 603147.

Allele frequency attached by ClinVar (database versions not stated): gnomAD exomes below 0.00001; TOPMed below 0.00001; ExAC 0.00001.
gnomAD v4.1: 2 of 1,592,794 alleles (0.00013%); highest among the groups gnomAD compares: Non-Finnish European, 0.00017%; no homozygotes.

Submissions (2):

Baylor Genetics
Classification: Likely pathogenic for ALG6-congenital disorder of glycosylation 1C. Last evaluated: 2023-10-14. Review status: criteria provided, single submitter. Criteria: ACMG Guidelines, 2015. Collection method: clinical testing. Allele origin: unknown.

Labcorp Genetics (formerly Invitae), Labcorp
Classification: Likely pathogenic for ALG6-congenital disorder of glycosylation 1C. Last evaluated: 2022-12-31. Review status: criteria provided, single submitter. Criteria: Invitae Variant Classification Sherloc (09022015). Collection method: clinical testing. Allele origin: germline.
Comment: In summary, the currently available evidence indicates that the variant is pathogenic, but additional data are needed to prove that conclusively. Therefore, this variant has been classified as Likely Pathogenic. Algorithms developed to predict the effect of sequence changes on RNA splicing suggest that this variant may disrupt the consensus splice site. This variant has not been reported in the literature in individuals affected with ALG6-related conditions. This variant is present in population databases (rs771618945, gnomAD 0.0009%). This sequence change affects a donor splice site in intron 2 of the ALG6 gene. It is expected to disrupt RNA splicing. Variants that disrupt the donor or acceptor splice site typically lead to a loss of protein function (PMID: 16199547), and loss-of-function variants in ALG6 are known to be pathogenic (PMID: 19862844).

Literature cited by the submitters: PubMed 16199547 (cited by Labcorp Genetics (formerly Invitae), Labcorp); PubMed 19862844 (cited by Labcorp Genetics (formerly Invitae), Labcorp).